The following is an entry in ClinVar:

ClinVar aggregate classification (germline): Uncertain significance (1 of 4 stars; one submission).

Conditions:
Psoriasis 2. Identifiers: MedGen C1864497, MONDO:0011269, OMIM 602723.
Pityriasis rubra pilaris (PRP). Also called: Pityriasis rubra pilaris--familial type. Identifiers: Orphanet 2897, MedGen C0032027, MONDO:0100017, OMIM 173200, MONDO:0008251.

Submission:

Labcorp Genetics (formerly Invitae), Labcorp
Classification: Uncertain significance for Pityriasis rubra pilaris; Psoriasis 2. Last evaluated: 2023-02-14. Review status: criteria provided, single submitter. Criteria: Invitae Variant Classification Sherloc (09022015). Collection method: clinical testing. Allele origin: germline.
Comment: In summary, the available evidence is currently insufficient to determine the role of this variant in disease. Therefore, it has been classified as a Variant of Uncertain Significance. Advanced modeling of protein sequence and biophysical properties (such as structural, functional, and spatial information, amino acid conservation, physicochemical variation, residue mobility, and thermodynamic stability) performed at Invitae indicates that this missense variant is expected to disrupt CARD14 protein function. This variant has not been reported in the literature in individuals affected with CARD14-related conditions. This variant is not present in population databases (gnomAD no frequency). This sequence change replaces cysteine, which is neutral and slightly polar, with tryptophan, which is neutral and slightly polar, at codon 846 of the CARD14 protein (p.Cys846Trp).

NM_001366385.1(CARD14):c.2538C>G (p.Cys846Trp)

Genes: SGSH (N-sulfoglucosamine sulfohydrolase; minus strand), CARD14 (caspase recruitment domain family member 14; plus strand), LOC126862662 (MED14-independent group 3 enhancer GRCh37_chr17:78178385-78179584; plus strand). Cytogenetic location: 17q25.3.
Variant type: single nucleotide variant.
Coding change: c.2538C>G on transcript NM_001366385.1 (MANE Select); coding-DNA position 2538, C replaced by G.
Protein change: p.Cys846Trp; replaces cysteine 846 with tryptophan.
Molecular consequence: missense variant. On other transcripts: non-coding transcript variant (1).
Genome position (GRCh38, 1-based): chr17:80,205,174, C>G. VCF-style: chr17-80205174-C-G. GRCh37 (hg19) VCF-style: chr17-78178973-C-G.
Other names: c.2538C>G, p.Cys846Trp (NM_024110.4); short protein forms C846W.
Identifiers: ClinVar variation 2936637 (VCV002936637.3), dbSNP rs1312603574, ClinGen allele CA401356155.